The following is an entry in ClinVar:

ClinVar aggregate classification (germline): Uncertain significance. Review status: criteria provided, multiple submitters, no conflicts (2 of 4 stars). 4 submissions from 4 submitters: Uncertain significance (4). Last evaluated 2025-10-09.

Conditions:
Hereditary cancer-predisposing syndrome. Also called: Neoplastic Syndromes, Hereditary; Hereditary Cancer Syndrome; Hereditary neoplastic syndrome; Tumor predisposition. Identifiers: Orphanet 140162, MedGen C0027672, MeSH D009386, MONDO:0015356.
Gastrointestinal stromal tumor. Also called: Gastrointestinal stroma tumor; Gastrointestinal stromal tumor, somatic. Identifiers: Orphanet 44890, MedGen C0238198, MeSH D046152, MONDO:0011719, OMIM 606764, HP:0100723.

Allele frequency attached by ClinVar (database versions not stated): ExAC 0.00001; TOPMed 0.00002; gnomAD 0.00003 and 0.00004; ESP Exome Variant Server 0.00008.
gnomAD v4.1: 9 of 1,613,920 alleles (0.00056%); highest among the groups gnomAD compares: African/African-American, 0.0013%; no homozygotes.

Submissions (4):

Ambry Genetics
Classification: Uncertain significance for Hereditary cancer-predisposing syndrome. Last evaluated: 2025-10-09. Review status: criteria provided, single submitter. Criteria: Ambry Variant Classification Scheme 2023. Collection method: clinical testing. Allele origin: germline.
Comment: The p.H519Y variant (also known as c.1555C>T), located in coding exon 10 of the KIT gene, results from a C to T substitution at nucleotide position 1555. The histidine at codon 519 is replaced by tyrosine, an amino acid with similar properties. This amino acid position is conserved. In addition, the in silico prediction for this alteration is inconclusive. Since supporting evidence is limited at this time, the clinical significance of this alteration remains unclear.

Labcorp Genetics (formerly Invitae), Labcorp
Classification: Uncertain significance for Gastrointestinal stromal tumor. Last evaluated: 2025-08-30. Review status: criteria provided, single submitter. Criteria: Invitae Variant Classification Sherloc (09022015). Collection method: clinical testing. Allele origin: germline.
Comment: This sequence change replaces histidine, which is basic and polar, with tyrosine, which is neutral and polar, at codon 519 of the KIT protein (p.His519Tyr). This variant is present in population databases (rs370364842, gnomAD 0.002%). This variant has not been reported in the literature in individuals affected with KIT-related conditions. ClinVar contains an entry for this variant (Variation ID: 409771). An algorithm developed to predict the effect of missense changes on protein structure and function (PolyPhen-2) suggests that this variant is likely to be disruptive. In summary, the available evidence is currently insufficient to determine the role of this variant in disease. Therefore, it has been classified as a Variant of Uncertain Significance.

Baylor Genetics
Classification: Uncertain significance for Gastrointestinal stromal tumor. Last evaluated: 2024-03-28. Review status: criteria provided, single submitter. Criteria: ACMG Guidelines, 2015. Collection method: clinical testing. Allele origin: unknown.

GeneDx
Classification: Uncertain significance. Last evaluated: 2023-06-01. Review status: criteria provided, single submitter. Criteria: GeneDx Variant Classification Process June 2021. Collection method: clinical testing. Allele origin: germline. Affected: yes.
Comment: In silico analysis supports that this missense variant has a deleterious effect on protein structure/function; Has not been previously published as pathogenic or benign to our knowledge; This variant is associated with the following publications: (PMID: 32391261)

NM_000222.3(KIT):c.1555C>T (p.His519Tyr)

Gene: KIT (KIT proto-oncogene, receptor tyrosine kinase; plus strand). Cytogenetic location: 4q12.
Variant type: single nucleotide variant.
Coding change: c.1555C>T on transcript NM_000222.3 (MANE Select); coding-DNA position 1555, C replaced by T.
Protein change: p.His519Tyr; replaces histidine 519 with tyrosine.
Molecular consequence: missense variant.
Genome position (GRCh38, 1-based): chr4:54,727,232, C>T. VCF-style: chr4-54727232-C-T. GRCh37 (hg19) VCF-style: chr4-55593398-C-T.
Other names: c.1543C>T, p.His515Tyr (NM_001093772.2, NM_001385286.1); c.1558C>T, p.His520Tyr (NM_001385284.1, NM_001385290.1); c.1555C>T, p.His519Tyr (NM_001385285.1); c.1546C>T, p.His516Tyr (NM_001385288.1, NM_001385292.1); short protein forms H519Y, H515Y, H516Y, H520Y.
Identifiers: ClinVar variation 409771 (VCV000409771.14), dbSNP rs370364842, ClinGen allele CA2923523.